The following is an entry in ClinVar:

NM_000368.5(TSC1):c.1726T>C (p.Leu576=)

Gene: TSC1 (TSC complex subunit 1; minus strand). Cytogenetic location: 9q34.13.
Variant type: single nucleotide variant.
Coding change: c.1726T>C on transcript NM_000368.5 (MANE Select); coding-DNA position 1726, T replaced by C.
Protein change: p.Leu576=; no amino-acid change (leucine 576 retained).
Molecular consequence: synonymous variant.
Genome position (GRCh38, 1-based): chr9:132,905,852, A>G on the plus strand (T>C on the coding strand, the complement: TSC1 is on the minus strand). VCF-style: chr9-132905852-A-G. GRCh37 (hg19) VCF-style: chr9-135781239-A-G.
Other names: p.L576L:TTG>CTG; p.Leu576=; c.1723T>C, p.Leu575= (NM_001162426.2); c.1573T>C, p.Leu525= (NM_001162427.2); c.1363T>C, p.Leu455= (NM_001362177.2).
Identifiers: ClinVar variation 48821 (VCV000048821.47), dbSNP rs118203567, ClinGen allele CA005272.

ClinVar aggregate classification (germline): Benign/Likely benign. Review status: criteria provided, multiple submitters, no conflicts (2 of 4 stars). 23 submissions from 21 submitters: Benign (18); Likely benign (1). 4 of the submissions do not count toward it. Last evaluated 2026-02-04.

Conditions:
Lymphangiomyomatosis (LAM). Also called: Lymphangioleiomyomatosis; Lymphangioleiomyomatosis, somatic. Identifiers: Orphanet 538, MedGen C0751674, MONDO:0011705, OMIM 606690.
Tuberous sclerosis 1 (TSC1). Identifiers: Orphanet 805, MedGen C1854465, MONDO:0008612, OMIM 191100.
Isolated focal cortical dysplasia type II (FCORD2). Also called: CORTICAL DYSPLASIA OF TAYLOR; Focal cortical dysplasia type II. Identifiers: Orphanet 268994, MedGen C1846385, MONDO:0011818, OMIM 607341, HP:0032051.
Hereditary cancer-predisposing syndrome. Also called: Tumor predisposition; Neoplastic Syndromes, Hereditary; Hereditary neoplastic syndrome; Hereditary Cancer Syndrome. Identifiers: Orphanet 140162, MedGen C0027672, MeSH D009386, MONDO:0015356.
Tuberous sclerosis syndrome (TSC). Also called: Tuberous Sclerosis Complex; Tuberous sclerosis. Identifiers: Orphanet 805, MedGen C0041341, MONDO:0001734.
Malignant tumor of urinary bladder. Also called: Urinary Bladder Neoplasms; Urinary bladder cancer; Bladder cancer. Identifiers: MedGen C0005684, MONDO:0001187, OMIM 109800.

Allele frequency attached by ClinVar (database versions not stated): gnomAD exomes 0.00125 and 0.00401; gnomAD 0.00165 and 0.00224; ESP Exome Variant Server 0.00023; TOPMed 0.00241; ExAC 0.00378; 1000 Genomes Project 30x 0.01124; 1000 Genomes Project 0.01258.

Submissions (23):

Labcorp Genetics (formerly Invitae), Labcorp
Classification: Benign for Tuberous sclerosis 1. Last evaluated: 2026-02-04. Review status: criteria provided, single submitter. Criteria: Invitae Variant Classification Sherloc (09022015). Collection method: clinical testing. Allele origin: germline.

ARUP Laboratories, Molecular Genetics and Genomics, ARUP Laboratories
Classification: Benign. Last evaluated: 2025-06-06. Review status: criteria provided, single submitter. Criteria: ARUP Molecular Germline Variant Investigation Process 2024. Collection method: clinical testing. Allele origin: germline.

Myriad Genetics, Inc.
Classification: Benign for Tuberous sclerosis 1. Last evaluated: 2025-04-10. Review status: criteria provided, single submitter. Criteria: Myriad Autosomal Dominant, Autosomal Recessive and X-Linked Classification Criteria (2023). Collection method: clinical testing. Allele origin: unknown.
Comment: This variant is considered benign. This variant is a silent/synonymous amino acid change and it is not expected to impact splicing.

Blueprint Genetics
Classification: Likely benign. Last evaluated: 2024-11-26. Review status: criteria provided, single submitter. Criteria: ACMG Guidelines, 2015. Collection method: clinical testing. Allele origin: germline.

Athena Diagnostics
Classification: Benign. Last evaluated: 2024-10-07. Review status: criteria provided, single submitter. Criteria: Athena Diagnostics Criteria. Collection method: clinical testing. Allele origin: unknown.

All of Us Research Program, National Institutes of Health
Classification: Benign for Tuberous sclerosis syndrome. Last evaluated: 2024-02-05. Review status: criteria provided, single submitter. Criteria: ACMG Guidelines, 2015. Collection method: clinical testing. Allele origin: germline. Inheritance: Autosomal dominant inheritance. Observed: 361 variant alleles, 357 heterozygotes, 4 homozygotes.
Comment: This study involves interpretation of variants in research participants for the purpose of population health screening. Participant phenotype was not available at the time of variant classification. Additional details can be found in publication PMID: 35346344, PMCID: PMC8962531

KCCC/NGS Laboratory, Kuwait Cancer Control Center
Classification: Benign for Tuberous sclerosis 1. Last evaluated: 2023-07-07. Review status: criteria provided, single submitter. Criteria: ACMG Guidelines, 2015. Collection method: clinical testing. Allele origin: germline. Affected: yes.

Mayo Clinic Laboratories, Mayo Clinic
Classification: Benign. Last evaluated: 2023-04-03. Review status: criteria provided, single submitter. Criteria: ACMG Guidelines, 2015. Collection method: clinical testing. Allele origin: germline. Observed: 6 variant alleles.

Color Diagnostics, LLC DBA Color Health
Classification: Benign for Tuberous sclerosis syndrome. Last evaluated: 2022-09-20. Review status: criteria provided, single submitter. Criteria: ACMG Guidelines, 2015. Collection method: clinical testing. Allele origin: germline.

Genome-Nilou Lab
Classification: Benign for Tuberous sclerosis 1. Last evaluated: 2021-11-07. Review status: criteria provided, single submitter. Criteria: ACMG Guidelines, 2015. Collection method: clinical testing. Allele origin: germline. Affected: no.

Department of Pathology and Laboratory Medicine, Sinai Health System
Classification: Benign for Tuberous sclerosis 1; Lymphangiomyomatosis; Isolated focal cortical dysplasia type II. Last evaluated: 2021-08-12. Review status: criteria provided, single submitter. Criteria: ACMG Guidelines, 2015. Collection method: clinical testing. Allele origin: germline. Affected: no.

Quest Diagnostics Nichols Institute San Juan Capistrano
Classification: Benign. Last evaluated: 2020-08-13. Review status: criteria provided, single submitter. Criteria: Quest Diagnostics criteria. Collection method: clinical testing. Allele origin: unknown.

Illumina Laboratory Services, Illumina
Classification: Benign for Isolated focal cortical dysplasia type II. Last evaluated: 2018-01-13. Review status: criteria provided, single submitter. Criteria: ICSL Variant Classification Criteria 13 December 2019. Collection method: clinical testing. Allele origin: germline.
Comment: This variant was observed in the ICSL laboratory as part of a predisposition screen in an ostensibly healthy population. It had not been previously curated by ICSL or reported in the Human Gene Mutation Database (HGMD: prior to June 1st, 2018), and was therefore a candidate for classification through an automated scoring system. Utilizing variant allele frequency, disease prevalence and penetrance estimates, and inheritance mode, an automated score was calculated to assess if this variant is too frequent to cause the disease. Based on the score and internal cut-off values, a variant classified as benign is not then subjected to further curation. The score for this variant resulted in a classification of benign for this disease.

Illumina Laboratory Services, Illumina
Classification: Benign for Tuberous sclerosis 1. Last evaluated: 2018-01-13. Review status: criteria provided, single submitter. Criteria: ICSL Variant Classification Criteria 13 December 2019. Collection method: clinical testing. Allele origin: germline.
Comment: the same text as in the submission from Illumina Laboratory Services, Illumina above.

Women's Health and Genetics/Laboratory Corporation of America, LabCorp
Classification: Benign. Last evaluated: 2016-05-26. Review status: criteria provided, single submitter. Criteria: LabCorp Variant Classification Summary - May 2015. Collection method: clinical testing. Allele origin: germline.
Comment: Variant summary: The TSC1 c.1726T>C (p.Leu576Leu) variant involves the alteration of a non-conserved nucleotide, resulting in a synonymous change. One in silico tool predicts a benign outcome for this variant, and 5/5 Alamut algorithms predict no significant change to normal splicing. This variant was found in 458/121316 control chromosomes (16 homozygotes) at a frequency of 0.0037753, which is approximately 151 times the estimated maximal expected allele frequency of a pathogenic TSC1 variant (0.000025), suggesting this variant is likely a benign polymorphism. In addition, multiple clinical diagnostic laboratories/reputable databases classified this variant as benign. Taken together and based on the synonymous nature of this variant and the high allele frequency in the general population, this variant is classified as Benign.

Eurofins Ntd Llc (ga)
Classification: Benign. Last evaluated: 2015-01-20. Review status: criteria provided, single submitter. Criteria: EGL Classification Definitions 2015. Collection method: clinical testing. Allele origin: germline. Observed: 1 variant allele, 1 heterozygote.

Ambry Genetics
Classification: Benign for Hereditary cancer-predisposing syndrome. Last evaluated: 2014-12-01. Review status: criteria provided, single submitter. Criteria: Ambry Variant Classification Scheme 2023. Collection method: clinical testing. Allele origin: germline.

GeneDx
Classification: Benign. Last evaluated: 2013-08-02. Review status: criteria provided, single submitter. Criteria: GeneDx Variant Classification (06012015). Collection method: clinical testing. Allele origin: germline. Affected: yes.
Comment: This variant is considered likely benign or benign based on one or more of the following criteria: it is a conservative change, it occurs at a poorly conserved position in the protein, it is predicted to be benign by multiple in silico algorithms, and/or has population frequency not consistent with disease.

PreventionGenetics, part of Exact Sciences
Classification: Benign. Review status: criteria provided, single submitter. Criteria: ACMG Guidelines, 2015. Collection method: clinical testing. Allele origin: germline.

Clinical Genetics DNA and cytogenetics Diagnostics Lab, Erasmus MC, Erasmus Medical Center
Classification: Benign. Review status: no assertion criteria provided. Collection method: clinical testing. Allele origin: germline. Affected: yes. Study: VKGL Data-share Consensus. Not counted in ClinVar's aggregate classification.

Clinical Genetics, Academic Medical Center
Classification: Benign. Review status: no assertion criteria provided. Collection method: clinical testing. Allele origin: germline. Affected: yes. Study: VKGL Data-share Consensus. Not counted in ClinVar's aggregate classification.

Tuberous sclerosis database (TSC1)
No classification provided. Condition: TSC. Review status: no classification provided. Criteria: Tuberous Sclerosis Database Assertion Criteria 2015. Collection method: curation. Allele origin: germline. Affected: yes. Not counted in ClinVar's aggregate classification.

Tuberous sclerosis database (TSC1)
No classification provided. Condition: Bladder cancer. Review status: no classification provided. Criteria: Tuberous Sclerosis Database Assertion Criteria 2015. Collection method: curation. Allele origin: germline. Affected: yes. Not counted in ClinVar's aggregate classification.